The following is an entry in ClinVar:

NM_176787.5(PIGN):c.2486C>T (p.Ala829Val)

Gene: PIGN (phosphatidylinositol glycan anchor biosynthesis class N; minus strand). Cytogenetic location: 18q21.33.
Variant type: single nucleotide variant.
Coding change: c.2486C>T on transcript NM_176787.5 (MANE Select); coding-DNA position 2486, C replaced by T.
Protein change: p.Ala829Val; replaces alanine 829 with valine.
Molecular consequence: missense variant.
Genome position (GRCh38, 1-based): chr18:62,084,547, G>A on the plus strand (C>T on the coding strand, the complement: PIGN is on the minus strand). VCF-style: chr18-62084547-G-A. GRCh37 (hg19) VCF-style: chr18-59751780-G-A.
Other names: c.2486C>T, p.Ala829Val (NM_012327.6); short protein forms A829V.
Identifiers: ClinVar variation 586230 (VCV000586230.7), dbSNP rs375027313, ClinGen allele CA8981971.

ClinVar aggregate classification (germline): Uncertain significance. Review status: criteria provided, multiple submitters, no conflicts (2 of 4 stars). 3 submissions from 3 submitters: Uncertain significance (3). Last evaluated 2025-06-10.

Conditions:
Inborn genetic diseases. Identifiers: MedGen C0950123, MeSH D030342.
Multiple congenital anomalies-hypotonia-seizures syndrome 1 (MCAHS1). Also called: PIGN-CDG; Congenital disorder of glycosylation due to PIGN deficiency; GLYCOSYLPHOSPHATIDYLINOSITOL BIOSYNTHESIS DEFECT 3. Identifiers: Orphanet 280633, MedGen C3279775, MONDO:0013563, OMIM 614080.

Allele frequency attached by ClinVar (database versions not stated): gnomAD 0.00002; ExAC 0.00004; gnomAD exomes 0.00002; TOPMed 0.00002; ESP Exome Variant Server 0.00017.
gnomAD v4.1: 30 of 1,551,076 alleles (0.0019%); highest among the groups gnomAD compares: Non-Finnish European, 0.0025%; no homozygotes.

Submissions (3):

Ambry Genetics
Classification: Uncertain significance for Inborn genetic diseases. Last evaluated: 2025-06-10. Review status: criteria provided, single submitter. Criteria: Ambry Variant Classification Scheme 2023. Collection method: clinical testing. Allele origin: germline.

Labcorp Genetics (formerly Invitae), Labcorp
Classification: Uncertain significance for Multiple congenital anomalies-hypotonia-seizures syndrome 1. Last evaluated: 2022-08-09. Review status: criteria provided, single submitter. Criteria: Invitae Variant Classification Sherloc (09022015). Collection method: clinical testing. Allele origin: germline.
Comment: This sequence change replaces alanine, which is neutral and non-polar, with valine, which is neutral and non-polar, at codon 829 of the PIGN protein (p.Ala829Val). The frequency data for this variant in the population databases is considered unreliable, as metrics indicate poor data quality at this position in the gnomAD database. This variant has not been reported in the literature in individuals affected with PIGN-related conditions. ClinVar contains an entry for this variant (Variation ID: 586230). Algorithms developed to predict the effect of missense changes on protein structure and function (SIFT, PolyPhen-2, Align-GVGD) all suggest that this variant is likely to be tolerated. In summary, the available evidence is currently insufficient to determine the role of this variant in disease. Therefore, it has been classified as a Variant of Uncertain Significance.

Athena Diagnostics
Classification: Uncertain significance. Last evaluated: 2018-06-18. Review status: criteria provided, single submitter. Criteria: Athena Diagnostics Criteria. Collection method: clinical testing. Allele origin: germline.